The following is an entry in ClinVar:

ClinVar aggregate classification (germline): Uncertain significance (1 of 4 stars; one submission).

Conditions:
Actin accumulation myopathy (CMYO2A). Also called: Myopathy, actin, congenital, with cores; Nemaline myopathy 3, with intranuclear rods; Nemaline myopathy type 3; Myopathy, actin, congenital, with excess of thin myofilaments; CONGENITAL MYOPATHY 2A, TYPICAL, AUTOSOMAL DOMINANT. Identifiers: Orphanet 98904, MedGen C3711389, MONDO:0008070, OMIM 161800.

Submission:

Labcorp Genetics (formerly Invitae), Labcorp
Classification: Uncertain significance for Actin accumulation myopathy. Last evaluated: 2025-08-01. Review status: criteria provided, single submitter. Criteria: Invitae Variant Classification Sherloc (09022015). Collection method: clinical testing. Allele origin: germline.
Comment: This sequence change replaces threonine, which is neutral and polar, with asparagine, which is neutral and polar, at codon 353 of the ACTA1 protein (p.Thr353Asn). This variant is not present in population databases (gnomAD no frequency). This variant has not been reported in the literature in individuals affected with ACTA1-related conditions. Invitae Evidence Modeling of protein sequence and biophysical properties (such as structural, functional, and spatial information, amino acid conservation, physicochemical variation, residue mobility, and thermodynamic stability) indicates that this missense variant is not expected to disrupt ACTA1 protein function with a negative predictive value of 80%. In summary, the available evidence is currently insufficient to determine the role of this variant in disease. Therefore, it has been classified as a Variant of Uncertain Significance.

NM_001100.4(ACTA1):c.1058C>A (p.Thr353Asn)

Gene: ACTA1 (actin alpha 1, skeletal muscle; minus strand). Cytogenetic location: 1q42.13.
Variant type: single nucleotide variant.
Coding change: c.1058C>A on transcript NM_001100.4 (MANE Select); coding-DNA position 1058, C replaced by A.
Protein change: p.Thr353Asn; replaces threonine 353 with asparagine.
Molecular consequence: missense variant.
Genome position (GRCh38, 1-based): chr1:229,431,575, G>T on the plus strand (C>A on the coding strand, the complement: ACTA1 is on the minus strand). VCF-style: chr1-229431575-G-T. GRCh37 (hg19) VCF-style: chr1-229567322-G-T.
Other names: short protein forms T353N.
Identifiers: ClinVar variation 4746556 (VCV004746556.1).